The following is an entry in ClinVar:

ClinVar aggregate classification (germline): Benign/Likely benign. Review status: criteria provided, multiple submitters, no conflicts (2 of 4 stars). 4 submissions from 4 submitters: Benign (1); Likely benign (2). 1 of the submissions does not count toward it. Last evaluated 2025-12-20.

Conditions:
COL11A2-related disorder. Also called: COL11A2-related condition; COL11A2-related disorders.

Allele frequency attached by ClinVar (database versions not stated): gnomAD 0.00003 and 0.00004; gnomAD exomes 0.00004 and 0.00005; TOPMed 0.00004; ExAC 0.00005; ESP Exome Variant Server 0.00012; 1000 Genomes Project 30x 0.00016; 1000 Genomes Project 0.00020.
gnomAD v4.1: 80 of 1,612,974 alleles (0.005%); highest among the groups gnomAD compares: African/African-American, 0.011%; no homozygotes.

Submissions (4):

Labcorp Genetics (formerly Invitae), Labcorp
Classification: Benign. Last evaluated: 2025-12-20. Review status: criteria provided, single submitter. Criteria: Invitae Variant Classification Sherloc (09022015). Collection method: clinical testing. Allele origin: germline.

Blueprint Genetics
Classification: Likely benign. Last evaluated: 2023-10-10. Review status: criteria provided, single submitter. Criteria: ACMG Guidelines, 2015. Collection method: clinical testing. Allele origin: germline.

GeneDx
Classification: Likely benign. Last evaluated: 2021-04-08. Review status: criteria provided, single submitter. Criteria: GeneDx Variant Classification Process June 2021. Collection method: clinical testing. Allele origin: germline. Affected: yes.

PreventionGenetics, part of Exact Sciences
Classification: Likely benign for COL11A2-related condition. Last evaluated: 2021-02-05. Review status: no assertion criteria provided. Collection method: clinical testing. Allele origin: germline. Not counted in ClinVar's aggregate classification.
Comment: This variant is classified as likely benign based on ACMG/AMP sequence variant interpretation guidelines (Richards et al. 2015 PMID: 25741868, with internal and published modifications).

NM_080680.3(COL11A2):c.5028G>A (p.Pro1676=)

Gene: COL11A2 (collagen type XI alpha 2 chain; minus strand). Cytogenetic location: 6p21.32.
Variant type: single nucleotide variant.
Coding change: c.5028G>A on transcript NM_080680.3 (MANE Select); coding-DNA position 5028, G replaced by A.
Protein change: p.Pro1676=; no amino-acid change (proline 1676 retained).
Molecular consequence: synonymous variant.
Genome position (GRCh38, 1-based): chr6:33,164,309, C>T on the plus strand (G>A on the coding strand, the complement: COL11A2 is on the minus strand). VCF-style: chr6-33164309-C-T. GRCh37 (hg19) VCF-style: chr6-33132086-C-T.
Other names: c.4707G>A, p.Pro1569= (NM_080679.3); c.4770G>A, p.Pro1590= (NM_080681.3).
Identifiers: ClinVar variation 1211399 (VCV001211399.11), dbSNP rs144290562, ClinGen allele CA3749934.
Genomic context (GRCh38, chr6:33,164,309, plus strand): 5'-AGCTCTTCCTGTTCCCACCTGGCAGCCATCTCTGAATTCTTTGACATAGGGGCTAGTCTC[C>T]GGGCTCAGCTCATCCTCATTGGCCCCACGGAGTCTCAGGGGACCGTCACGGGCTGCTCCA-3'
Protein context (NP_542411.2, residues 1666-1686): LRGANEDELS[Pro1676=]ETSPYVKEFR